The following is an entry in ClinVar:

NM_152906.7(TANGO2):c.265+7C>T

Gene: TANGO2 (transport and golgi organization 2 homolog; plus strand). Cytogenetic location: 22q11.21.
Variant type: single nucleotide variant.
Coding change: c.265+7C>T on transcript NM_152906.7 (MANE Select); 7 bases into the intron after coding-DNA position 265, C replaced by T.
Molecular consequence: intron variant.
Genome position (GRCh38, 1-based): chr22:20,052,591, C>T. VCF-style: chr22-20052591-C-T. GRCh37 (hg19) VCF-style: chr22-20040114-C-T.
Other names: c.265+7C>T (NM_001283106.3, NM_001322163.2, NM_001283179.3 and 10 more transcripts); c.86+7C>T (NM_001322174.2, NM_001322172.2, NM_001322160.2 and 9 more transcripts); c.388+7C>T (NM_001322143.2, NM_001322145.2, NM_001322141.2 and 5 more transcripts).
Identifiers: ClinVar variation 1476577 (VCV001476577.5), dbSNP rs753866777, ClinGen allele CA10106249.

ClinVar aggregate classification (germline): Uncertain significance (1 of 4 stars; one submission).

Allele frequency attached by ClinVar (database versions not stated): gnomAD 0.00002 and 0.00003; gnomAD exomes 0.00005.
gnomAD v4.1: 121 of 1,503,172 alleles (0.008%); highest among the groups gnomAD compares: Non-Finnish European, 0.01%; no homozygotes.

Submission:

Labcorp Genetics (formerly Invitae), Labcorp
Classification: Uncertain significance. Last evaluated: 2022-07-19. Review status: criteria provided, single submitter. Criteria: Invitae Variant Classification Sherloc (09022015). Collection method: clinical testing. Allele origin: germline.
Comment: This sequence change falls in intron 4 of the TANGO2 gene. It does not directly change the encoded amino acid sequence of the TANGO2 protein. This variant is present in population databases (rs753866777, gnomAD 0.01%). This variant has not been reported in the literature in individuals affected with TANGO2-related conditions. ClinVar contains an entry for this variant (Variation ID: 1476577). Algorithms developed to predict the effect of sequence changes on RNA splicing suggest that this variant may create or strengthen a splice site. In summary, the available evidence is currently insufficient to determine the role of this variant in disease. Therefore, it has been classified as a Variant of Uncertain Significance.